The following is an entry in ClinVar:

NM_001103.4(ACTN2):c.2014G>A (p.Glu672Lys)

Gene: ACTN2 (actinin alpha 2; plus strand). Cytogenetic location: 1q43.
Variant type: single nucleotide variant.
Coding change: c.2014G>A on transcript NM_001103.4 (MANE Select); coding-DNA position 2014, G replaced by A.
Protein change: p.Glu672Lys; replaces glutamic acid 672 with lysine.
Molecular consequence: missense variant. On other transcripts: non-coding transcript variant (1).
Genome position (GRCh38, 1-based): chr1:236,755,058, G>A. VCF-style: chr1-236755058-G-A. GRCh37 (hg19) VCF-style: chr1-236918358-G-A.
Other names: c.2014G>A, p.Glu672Lys (NM_001278343.2); short protein forms E672K.
Identifiers: ClinVar variation 3751191 (VCV003751191.2).

ClinVar aggregate classification (germline): Uncertain significance (1 of 4 stars; one submission).

Conditions:
Primary familial hypertrophic cardiomyopathy (HCM). Identifiers: Orphanet 99739, MedGen C0949658, MeSH D024741, MONDO:0024573. Inheritance: Various modes of inheritance.
Dilated cardiomyopathy 1AA (CMD1AA). Also called: CARDIOMYOPATHY, DILATED, 1AA, WITH OR WITHOUT LEFT VENTRICULAR NONCOMPACTION; CARDIOMYOPATHY, FAMILIAL HYPERTROPHIC, 23, WITH OR WITHOUT LEFT VENTRICULAR NONCOMPACTION; Cardiomyopathy, dilated, 1AA, with or without LVNC. Identifiers: Orphanet 154, MedGen C2677338, MONDO:0012808, OMIM 612158.

Submission:

Labcorp Genetics (formerly Invitae), Labcorp
Classification: Uncertain significance for Primary familial hypertrophic cardiomyopathy; Dilated cardiomyopathy 1AA. Last evaluated: 2024-11-12. Review status: criteria provided, single submitter. Criteria: Invitae Variant Classification Sherloc (09022015). Collection method: clinical testing. Allele origin: germline.
Comment: This sequence change replaces glutamic acid, which is acidic and polar, with lysine, which is basic and polar, at codon 672 of the ACTN2 protein (p.Glu672Lys). This variant is not present in population databases (gnomAD no frequency). This variant has not been reported in the literature in individuals affected with ACTN2-related conditions. Invitae Evidence Modeling of protein sequence and biophysical properties (such as structural, functional, and spatial information, amino acid conservation, physicochemical variation, residue mobility, and thermodynamic stability) indicates that this missense variant is expected to disrupt ACTN2 protein function with a positive predictive value of 80%. In summary, the available evidence is currently insufficient to determine the role of this variant in disease. Therefore, it has been classified as a Variant of Uncertain Significance.